The following is an entry in ClinVar:

NM_017617.5(NOTCH1):c.433G>T (p.Ala145Ser)

Gene: NOTCH1 (notch receptor 1; minus strand). Cytogenetic location: 9q34.3.
Variant type: single nucleotide variant.
Coding change: c.433G>T on transcript NM_017617.5 (MANE Select); coding-DNA position 433, G replaced by T.
Protein change: p.Ala145Ser; replaces alanine 145 with serine.
Molecular consequence: missense variant.
Genome position (GRCh38, 1-based): chr9:136,523,159, C>A on the plus strand (G>T on the coding strand, the complement: NOTCH1 is on the minus strand). VCF-style: chr9-136523159-C-A. GRCh37 (hg19) VCF-style: chr9-139417611-C-A.
Other names: c.433G>T (NM_017617.3); short protein forms A145S.
Identifiers: ClinVar variation 2129783 (VCV002129783.6), dbSNP rs1388726872, ClinGen allele CA375571616.
Genomic context (GRCh38, chr9:136,523,159, plus strand): 5'-GGCAGATGTAGGAGGCCTCGAAGGGCAGGCACTGGCCACCGTTGGCGCAGGGGTTGGAGG[C>A]GCACGGGTCAGCCTGCTGGCACGATTTCCCTGGAGACAAGGGGACAAGAGGGTCGTGCTG-3'
Protein context (NP_060087.3, residues 135-155): GKSCQQADPC[Ala145Ser]SNPCANGGQC

ClinVar aggregate classification (germline): Conflicting classifications of pathogenicity. Review status: criteria provided, conflicting classifications (1 of 4 stars). 2 submissions from 2 submitters: Uncertain significance (1); Likely benign (1). Last evaluated 2023-09-09.

Conditions:
Adams-Oliver syndrome 5 (AOS5). Identifiers: Orphanet 974, MedGen C4014970, MONDO:0014459, OMIM 616028.
Familial thoracic aortic aneurysm and aortic dissection (TAAD). Also called: Thoracic aortic aneurysms and dissections. Identifiers: Orphanet 91387, MedGen C4707243, MONDO:0019625.

Submissions (2):

Labcorp Genetics (formerly Invitae), Labcorp
Classification: Likely benign for Adams-Oliver syndrome 5. Last evaluated: 2023-09-09. Review status: criteria provided, single submitter. Criteria: Invitae Variant Classification Sherloc (09022015). Collection method: clinical testing. Allele origin: germline.

Ambry Genetics
Classification: Uncertain significance for Familial thoracic aortic aneurysm and aortic dissection. Last evaluated: 2023-01-20. Review status: criteria provided, single submitter. Criteria: Ambry Variant Classification Scheme 2023. Collection method: clinical testing. Allele origin: germline.
Comment: The p.A145S variant (also known as c.433G>T), located in coding exon 4 of the NOTCH1 gene, results from a G to T substitution at nucleotide position 433. The alanine at codon 145 is replaced by serine, an amino acid with similar properties. This amino acid position is conserved. In addition, the in silico prediction for this alteration is inconclusive. Since supporting evidence is limited at this time, the clinical significance of this alteration remains unclear.